The following is an entry in ClinVar:

ClinVar aggregate classification (germline): Uncertain significance (1 of 4 stars; one submission).

Conditions:
Aicardi-Goutieres syndrome 5. Identifiers: Orphanet 51, MedGen C2749659, MONDO:0013059, OMIM 612952.

Allele frequency attached by ClinVar (database versions not stated): ExAC 0.00001; gnomAD exomes 0.00001.
gnomAD v4.1: 8 of 1,607,398 alleles (0.0005%); highest among the groups gnomAD compares: Middle Eastern, 0.049%; no homozygotes.

Submission:

Labcorp Genetics (formerly Invitae), Labcorp
Classification: Uncertain significance for Aicardi-Goutieres syndrome 5. Last evaluated: 2021-05-01. Review status: criteria provided, single submitter. Criteria: Invitae Variant Classification Sherloc (09022015). Collection method: clinical testing. Allele origin: germline.
Comment: This sequence change affects codon 232 of the SAMHD1 mRNA. It is a 'silent' change, meaning that it does not change the encoded amino acid sequence of the SAMHD1 protein. This variant also falls at the last nucleotide of exon 6, which is part of the consensus splice site for this exon. This variant is present in population databases (rs763408711, ExAC 0.001%). This variant has not been reported in the literature in individuals with SAMHD1-related conditions. Nucleotide substitutions within the consensus splice site are a relatively common cause of aberrant splicing (PMID: 17576681, 9536098). Algorithms developed to predict the effect of sequence changes on RNA splicing suggest that this variant may disrupt the consensus splice site, but this prediction has not been confirmed by published transcriptional studies. In summary, the available evidence is currently insufficient to determine the role of this variant in disease. Therefore, it has been classified as a Variant of Uncertain Significance.

Literature cited by the submitters: PubMed 17576681; PubMed 9536098.

NM_015474.4(SAMHD1):c.696G>A (p.Thr232=)

Gene: SAMHD1 (SAM and HD domain containing deoxynucleoside triphosphate triphosphohydrolase 1; minus strand). Cytogenetic location: 20q11.23.
Variant type: single nucleotide variant.
Coding change: c.696G>A on transcript NM_015474.4 (MANE Select); coding-DNA position 696, G replaced by A.
Protein change: p.Thr232=; no amino-acid change (threonine 232 retained).
Molecular consequence: synonymous variant.
Genome position (GRCh38, 1-based): chr20:36,927,182, C>T on the plus strand (G>A on the coding strand, the complement: SAMHD1 is on the minus strand). VCF-style: chr20-36927182-C-T. GRCh37 (hg19) VCF-style: chr20-35555585-C-T.
Other names: c.696G>A, p.Thr232= (NM_001363729.2, NM_001363733.2).
Identifiers: ClinVar variation 2201143 (VCV002201143.1), dbSNP rs763408711, ClinGen allele CA9844674.